The following is an entry in ClinVar:

NM_152564.5(VPS13B):c.8512A>T (p.Lys2838Ter)

Gene: VPS13B (vacuolar protein sorting 13 homolog B; plus strand). Cytogenetic location: 8q22.2.
Variant type: single nucleotide variant.
Coding change: c.8512A>T on transcript NM_152564.5 (MANE Select); coding-DNA position 8512, A replaced by T.
Protein change: p.Lys2838Ter; replaces lysine 2838 with a stop codon.
Molecular consequence: nonsense.
Genome position (GRCh38, 1-based): chr8:99,818,779, A>T. VCF-style: chr8-99818779-A-T. GRCh37 (hg19) VCF-style: chr8-100831007-A-T.
Other names: c.8587A>T, p.Lys2863Ter (NM_017890.5); short protein forms K2838*, K2863*.
Identifiers: ClinVar variation 3775617 (VCV003775617.1).

ClinVar aggregate classification (germline): Likely pathogenic (1 of 4 stars; one submission).

Conditions:
Cohen syndrome (COH1). Also called: PEPPER SYNDROME; Cutis verticis gyrata, retinitis pigmentosa, and sensorineural deafness. Identifiers: Orphanet 193, MedGen C0265223, MONDO:0008999, OMIM 216550.

gnomAD v4.1: 1 of 1,613,956 alleles (0.000062%); highest among the groups gnomAD compares: Non-Finnish European, 0.000085%; no homozygotes.

Submission:

3billion
Classification: Likely pathogenic for Cohen syndrome. Last evaluated: 2023-06-22. Review status: criteria provided, single submitter. Criteria: ACMG Guidelines, 2015. Collection method: clinical testing. Allele origin: germline. Affected: yes.
Comment: The variant is not observed in the gnomAD v2.1.1 dataset. Predicted Consequence/Location: Stop-gained (nonsense): predicted to result in a loss or disruption of normal protein function through nonsense-mediated decay (NMD) or protein truncation. Multiple pathogenic variants are reported downstream of the variant. Therefore, this variant is classified as Likely pathogenic according to the recommendation of ACMG/AMP guideline.